The following is an entry in ClinVar:

NM_000719.7(CACNA1C):c.5564C>T (p.Ser1855Phe)

Genes: CACNA1C (calcium voltage-gated channel subunit alpha1 C; plus strand), CACNA1C-AS1 (CACNA1C antisense RNA 1; minus strand). Cytogenetic location: 12p13.33.
Variant type: single nucleotide variant.
Coding change: c.5564C>T on transcript NM_000719.7 (MANE Select); coding-DNA position 5564, C replaced by T.
Protein change: p.Ser1855Phe; replaces serine 1855 with phenylalanine.
Molecular consequence: missense variant.
Genome position (GRCh38, 1-based): chr12:2,682,669, C>T. VCF-style: chr12-2682669-C-T. GRCh37 (hg19) VCF-style: chr12-2791835-C-T.
Other names: c.5708C>T, p.Ser1903Phe (NM_001129827.2); c.5687C>T, p.Ser1896Phe (NM_001129829.2); c.5669C>T, p.Ser1890Phe (NM_001129830.3, NM_001167624.3); c.5648C>T, p.Ser1883Phe (NM_001129831.2); c.5624C>T, p.Ser1875Phe (NM_001129832.2); c.5621C>T, p.Ser1874Phe (NM_001129833.2, NM_001129834.2, NM_001129835.2); c.5615C>T, p.Ser1872Phe (NM_001129836.2); c.5588C>T, p.Ser1863Phe (NM_001129837.2, NM_001129838.2); and 6 more; short protein forms S1852F, S1890F, S1903F, S1872F, S1874F, S1875F, S1883F, S1915F.
Identifiers: ClinVar variation 2452659 (VCV002452659.2), dbSNP rs2153818086, ClinGen allele CA383381113.
Genomic context (GRCh38, chr12:2,682,669, plus strand): 5'-AGACCTATGAAGTGAAGATGAACCATGACACGGAGGCCTGCAGTGAGCCCAGCCTGCTCT[C>T]CACAGAGATGTGAGCTCTGCTGCCCTCTGCTGAGGCTGACCCAAGTGTGGGAACAAATGT-3'
Protein context (NP_000710.5, residues 1845-1865): TEACSEPSLL[Ser1855Phe]TEMLSYQDDE

ClinVar aggregate classification (germline): Uncertain significance (1 of 4 stars; one submission).

Conditions:
Cardiovascular phenotype. Identifiers: MedGen CN230736.

Allele frequency attached by ClinVar (database versions not stated): gnomAD exomes below 0.00001.
gnomAD v4.1: 1 of 1,610,872 alleles (0.000062%); highest among the groups gnomAD compares: Non-Finnish European, 0.000085%; no homozygotes.

Submission:

Ambry Genetics
Classification: Uncertain significance for Cardiovascular phenotype. Last evaluated: 2022-12-15. Review status: criteria provided, single submitter. Criteria: Ambry Variant Classification Scheme 2023. Collection method: clinical testing. Allele origin: germline.
Comment: The p.S1855F variant (also known as c.5564C>T), located in coding exon 43 of the CACNA1C gene, results from a C to T substitution at nucleotide position 5564. The serine at codon 1855 is replaced by phenylalanine, an amino acid with highly dissimilar properties. This amino acid position is well conserved in available vertebrate species. In addition, the in silico prediction for this alteration is inconclusive. Since supporting evidence is limited at this time, the clinical significance of this alteration remains unclear.